The following is an entry in ClinVar:

ClinVar aggregate classification (germline): Uncertain significance (1 of 4 stars; one submission).

Submission:

GeneDx
Classification: Uncertain significance. Last evaluated: 2022-07-26. Review status: criteria provided, single submitter. Criteria: GeneDx Variant Classification Process June 2021. Collection method: clinical testing. Allele origin: germline. Affected: yes.
Comment: Not observed at significant frequency in large population cohorts (gnomAD); In-frame deletion of 1 amino acids in a non-repeat region; In silico analysis supports a deleterious effect on protein structure/function; Has not been previously published as pathogenic or benign to our knowledge

NM_003079.5(SMARCE1):c.545ATG[2] (p.Asp184del)

Gene: SMARCE1 (SWI/SNF related BAF chromatin remodeling complex subunit E1; minus strand). Cytogenetic location: 17q21.2.
Variant type: Microsatellite.
Coding change: c.545ATG[2] on transcript NM_003079.5 (MANE Select); two copies in a row of the 3-base unit ATG starting at c.545; the reference has three copies in a row; one copy, 3 bases deleted; also written c.551_553del.
Protein change: p.Asp184del; deletes aspartic acid 184.
Molecular consequence: inframe deletion. On other transcripts: inframe indel (2).
Genome position (GRCh38, 1-based): chr17:40,632,356-40,632,358, CAT deleted on the plus strand (ATG on the coding strand, the reverse complement: SMARCE1 is on the minus strand); deleting any 3 consecutive bases within chr17:40,632,356-40,632,364 gives the same sequence; the position shown is the placement nearest the transcript's 3' end. VCF-style (leftmost placement, unchanged base first): chr17-40632355-CCAT-C. GRCh37 (hg19) VCF-style: chr17-38788607-CCAT-C.
Other names: c.545_547ATG[2], p.Asp184del (NM_003079.4); c.551_553del (NM_003079.4); short protein forms D184del.
Identifiers: ClinVar variation 2412862 (VCV002412862.3), dbSNP rs2508598553, ClinGen allele CA2580613128.